The following is an entry in ClinVar:

NM_005228.5(EGFR):c.2464G>A (p.Ala822Thr)

Genes: EGFR (epidermal growth factor receptor; plus strand), EGFR-AS1 (EGFR antisense RNA 1; minus strand). Cytogenetic location: 7p11.2.
Variant type: single nucleotide variant.
Coding change: c.2464G>A on transcript NM_005228.5 (MANE Select); coding-DNA position 2464, G replaced by A.
Protein change: p.Ala822Thr; replaces alanine 822 with threonine.
Molecular consequence: missense variant. On other transcripts: non-coding transcript variant (1).
Genome position (GRCh38, 1-based): chr7:55,181,473, G>A. VCF-style: chr7-55181473-G-A. GRCh37 (hg19) VCF-style: chr7-55249166-G-A.
Other names: c.2329G>A, p.Ala777Thr (NM_001346897.2, NM_001346899.2); c.2464G>A, p.Ala822Thr (NM_001346898.2); c.2305G>A, p.Ala769Thr (NM_001346900.2); c.1663G>A, p.Ala555Thr (NM_001346941.2); short protein forms A822T, A555T, A777T, A769T.
Identifiers: ClinVar variation 45275 (VCV000045275.54), dbSNP rs397517125, ClinGen allele CA135908.
Genomic context (GRCh38, chr7:55,181,473, plus strand): 5'-GTCCGGGAACACAAAGACAATATTGGCTCCCAGTACCTGCTCAACTGGTGTGTGCAGATC[G>A]CAAAGGTAATCAGGGAAGGGAGATACGGGGAGGGGAGATAAGGAGCCAGGATCCTCACAT-3'
Protein context (NP_005219.2, residues 812-832): QYLLNWCVQI[Ala822Thr]KGMNYLEDRR

ClinVar aggregate classification (germline): Uncertain significance. Review status: criteria provided, multiple submitters, no conflicts (2 of 4 stars). 5 submissions from 5 submitters: Uncertain significance (4). 1 of the submissions does not count toward it. Last evaluated 2026-01-27.

Conditions:
Hereditary cancer-predisposing syndrome. Also called: Tumor predisposition; Neoplastic Syndromes, Hereditary; Hereditary Cancer Syndrome; Hereditary neoplastic syndrome. Identifiers: Orphanet 140162, MedGen C0027672, MeSH D009386, MONDO:0015356.
EGFR-related lung cancer (EGFR). Identifiers: MedGen CN130014.

Allele frequency attached by ClinVar (database versions not stated): ExAC below 0.00001; gnomAD exomes below 0.00001; gnomAD 0.00002; TOPMed 0.00002.
gnomAD v4.1: 33 of 1,614,072 alleles (0.002%); highest among the groups gnomAD compares: Middle Eastern, 0.016%; no homozygotes.

Submissions (5):

Labcorp Genetics (formerly Invitae), Labcorp
Classification: Uncertain significance for EGFR-related lung cancer. Last evaluated: 2026-01-27. Review status: criteria provided, single submitter. Criteria: Invitae Variant Classification Sherloc (09022015). Collection method: clinical testing. Allele origin: germline.
Comment: This sequence change replaces alanine, which is neutral and non-polar, with threonine, which is neutral and polar, at codon 822 of the EGFR protein (p.Ala822Thr). This variant is present in population databases (rs397517125, gnomAD 0.004%). This variant has not been reported in the literature in individuals affected with EGFR-related conditions. ClinVar contains an entry for this variant (Variation ID: 45275). Invitae Evidence Modeling of protein sequence and biophysical properties (such as structural, functional, and spatial information, amino acid conservation, physicochemical variation, residue mobility, and thermodynamic stability) indicates that this missense variant is expected to disrupt EGFR protein function with a positive predictive value of 80%. In summary, the available evidence is currently insufficient to determine the role of this variant in disease. Therefore, it has been classified as a Variant of Uncertain Significance.

Dasa
Classification: Uncertain significance. Last evaluated: 2025-07-10. Review status: criteria provided, single submitter. Criteria: DASA Assertion Criteria. Collection method: clinical testing. Allele origin: germline.
Comment: NM_005228.5(EGFR):c.2464G>A (p.Ala822Thr) is a missense variant that results in the substitution of alanine with threonine. This variant is rare in population databases. Computational prediction algorithms are consistent with a deleterious effect. The currently available literature and clinical evidence are not sufficient to establish a definitive association between this variant and the reported condition. Therefore, this variant is classified as a variant of uncertain significance.

Ambry Genetics
Classification: Uncertain significance for Hereditary cancer-predisposing syndrome. Last evaluated: 2025-03-26. Review status: criteria provided, single submitter. Criteria: Ambry Variant Classification Scheme 2023. Collection method: clinical testing. Allele origin: germline.
Comment: The p.A822T variant (also known as c.2464G>A), located in coding exon 20 of the EGFR gene, results from a G to A substitution at nucleotide position 2464. The alanine at codon 822 is replaced by threonine, an amino acid with similar properties. This amino acid position is highly conserved in available vertebrate species. In addition, this alteration is predicted to be deleterious by in silico analysis. Based on the available evidence, the clinical significance of this variant remains unclear.

CeGaT Center for Human Genetics Tuebingen
Classification: Uncertain significance. Last evaluated: 2019-07-01. Review status: criteria provided, single submitter. Criteria: CeGaT Center For Human Genetics Tuebingen Variant Classification Criteria Version 2. Collection method: clinical testing. Allele origin: germline. Affected: yes. Observed: 1 variant allele.

Laboratory for Molecular Medicine, Mass General Brigham Personalized Medicine
Classification: Uncertain significance. Last evaluated: 2006-10-28. Review status: no assertion criteria provided. Collection method: clinical testing. Allele origin: somatic. Observed: 1 variant allele. Not counted in ClinVar's aggregate classification.